The following is an entry in ClinVar:

NM_001567.4(INPPL1):c.1497+7G>A

Gene: INPPL1 (inositol polyphosphate phosphatase like 1; plus strand). Cytogenetic location: 11q13.4.
Variant type: single nucleotide variant.
Coding change: c.1497+7G>A on transcript NM_001567.4 (MANE Select); 7 bases into the intron after coding-DNA position 1497, G replaced by A.
Molecular consequence: intron variant.
Genome position (GRCh38, 1-based): chr11:72,231,196, G>A. VCF-style: chr11-72231196-G-A. GRCh37 (hg19) VCF-style: chr11-71942240-G-A.
Other names: c.1497+7G>A (NM_001567.3).
Identifiers: ClinVar variation 1538162 (VCV001538162.11), dbSNP rs200295768, ClinGen allele CA6170044.

ClinVar aggregate classification (germline): Benign/Likely benign. Review status: criteria provided, multiple submitters, no conflicts (2 of 4 stars). 3 submissions from 3 submitters: Benign (1); Likely benign (1). 1 of the submissions does not count toward it. Last evaluated 2025-10-17.

Conditions:
INPPL1-related disorder. Also called: INPPL1-related condition.

Allele frequency attached by ClinVar (database versions not stated): TOPMed 0.00014; gnomAD 0.00016 and 0.00017; 1000 Genomes Project 0.00040; gnomAD exomes 0.00046; 1000 Genomes Project 30x 0.00047.
gnomAD v4.1: 135 of 1,607,428 alleles (0.0084%); highest among the groups gnomAD compares: East Asian, 0.23%; 1 homozygote.

Submissions (3):

Labcorp Genetics (formerly Invitae), Labcorp
Classification: Benign. Last evaluated: 2025-10-17. Review status: criteria provided, single submitter. Criteria: Invitae Variant Classification Sherloc (09022015). Collection method: clinical testing. Allele origin: germline.

Blueprint Genetics
Classification: Likely benign. Last evaluated: 2024-02-14. Review status: criteria provided, single submitter. Criteria: ACMG Guidelines, 2015. Collection method: clinical testing. Allele origin: germline.

PreventionGenetics, part of Exact Sciences
Classification: Likely benign for INPPL1-related condition. Last evaluated: 2024-09-08. Review status: no assertion criteria provided. Collection method: clinical testing. Allele origin: germline. Not counted in ClinVar's aggregate classification.
Comment: This variant is classified as likely benign based on ACMG/AMP sequence variant interpretation guidelines (Richards et al. 2015 PMID: 25741868, with internal and published modifications).